The following is an entry in ClinVar:

NM_020822.3(KCNT1):c.3178-1G>A

Gene: KCNT1 (potassium sodium-activated channel subfamily T member 1; plus strand). Cytogenetic location: 9q34.3.
Variant type: single nucleotide variant.
Coding change: c.3178-1G>A on transcript NM_020822.3 (MANE Select); the canonical splice acceptor site of the intron before coding-DNA position 3178, G replaced by A.
Molecular consequence: splice acceptor variant.
Genome position (GRCh38, 1-based): chr9:135,786,196, G>A. VCF-style: chr9-135786196-G-A. GRCh37 (hg19) VCF-style: chr9-138678042-G-A.
Other names: c.3043-1G>A (NM_001272003.2).
Identifiers: ClinVar variation 2954195 (VCV002954195.3), dbSNP rs2491103767, ClinGen allele CA375491394.
Genomic context (GRCh38, chr9:135,786,196, plus strand): 5'-AGCCCGCGACCCTCCCGGCAGCCTCACCCCTCCCCGCCCTGCCCTGCCCTGCCCTGCCCA[G>A]TCCCAGATCTCGGTGAACGTGGAGGACTGTGAGGACACACGGGAAGTGAAGGGGCCCTGG-3'

ClinVar aggregate classification (germline): Uncertain significance (1 of 4 stars; one submission).

Conditions:
Autosomal dominant nocturnal frontal lobe epilepsy 5. Also called: Epilepsy, nocturnal frontal lobe, 5; KCNT1-Related Epilepsy; CILIARY DYSKINESIA, PRIMARY, 28, WITHOUT SITUS INVERSUS; CILIARY DYSKINESIA, PRIMARY, 28, WITH SITUS INVERSUS. Identifiers: Orphanet 98784, MedGen C3554306, MONDO:0014002, OMIM 615005.
Developmental and epileptic encephalopathy, 14 (DEE14). Also called: Early infantile epileptic encephalopathy 14. Identifiers: Orphanet 293181, MedGen C3554195, MONDO:0013989, OMIM 614959.

Submission:

Labcorp Genetics (formerly Invitae), Labcorp
Classification: Uncertain significance for Autosomal dominant nocturnal frontal lobe epilepsy 5; Developmental and epileptic encephalopathy, 14. Last evaluated: 2023-11-24. Review status: criteria provided, single submitter. Criteria: Invitae Variant Classification Sherloc (09022015). Collection method: clinical testing. Allele origin: germline.
Comment: This sequence change affects an acceptor splice site in intron 28 of the KCNT1 gene. It is expected to disrupt RNA splicing. Variants that disrupt the donor or acceptor splice site typically lead to a loss of protein function (PMID: 16199547), however the current clinical and genetic evidence is not sufficient to establish whether loss-of-function variants in KCNT1 cause disease. This variant is not present in population databases (gnomAD no frequency). This variant has not been reported in the literature in individuals affected with KCNT1-related conditions. Algorithms developed to predict the effect of sequence changes on RNA splicing suggest that this variant may disrupt the consensus splice site. In summary, the available evidence is currently insufficient to determine the role of this variant in disease. Therefore, it has been classified as a Variant of Uncertain Significance.

Literature cited by the submitters: PubMed 16199547.